The following is an entry in ClinVar:

ClinVar aggregate classification (germline): Uncertain significance. Review status: criteria provided, multiple submitters, no conflicts (2 of 4 stars). 2 submissions from 2 submitters: Uncertain significance (2). Last evaluated 2026-01-12.

Conditions:
Hereditary cancer-predisposing syndrome. Also called: Hereditary neoplastic syndrome; Tumor predisposition; Neoplastic Syndromes, Hereditary; Hereditary Cancer Syndrome. Identifiers: Orphanet 140162, MedGen C0027672, MeSH D009386, MONDO:0015356.
Familial cancer of breast. Also called: hereditary breast carcinoma; BREAST CANCER, FAMILIAL; Hereditary breast cancer. Identifiers: Orphanet 227535, MedGen C0346153, MONDO:0016419, OMIM 114480. Disease mechanism: loss of function.

Submissions (2):

Labcorp Genetics (formerly Invitae), Labcorp
Classification: Uncertain significance for Familial cancer of breast. Last evaluated: 2026-01-12. Review status: criteria provided, single submitter. Criteria: Invitae Variant Classification Sherloc (09022015). Collection method: clinical testing. Allele origin: germline.
Comment: This sequence change replaces serine, which is neutral and polar, with alanine, which is neutral and non-polar, at codon 505 of the CHEK2 protein (p.Ser505Ala). This variant is not present in population databases (gnomAD no frequency). This variant has not been reported in the literature in individuals affected with CHEK2-related conditions. ClinVar contains an entry for this variant (Variation ID: 571176). An algorithm developed to predict the effect of missense changes on protein structure and function (PolyPhen-2) suggests that this variant is likely to be tolerated. Experimental studies have shown that this missense change does not substantially affect CHEK2 function (PMID: 12855706). In summary, the available evidence is currently insufficient to determine the role of this variant in disease. Therefore, it has been classified as a Variant of Uncertain Significance.

Ambry Genetics
Classification: Uncertain significance for Hereditary cancer-predisposing syndrome. Last evaluated: 2023-07-11. Review status: criteria provided, single submitter. Criteria: Ambry Variant Classification Scheme 2023. Collection method: clinical testing. Allele origin: germline.
Comment: The p.S505A variant (also known as c.1513T>G), located in coding exon 13 of the CHEK2 gene, results from a T to G substitution at nucleotide position 1513. The serine at codon 505 is replaced by alanine, an amino acid with similar properties. This amino acid position is not well conserved in available vertebrate species. In addition, this alteration is predicted to be tolerated by in silico analysis. Since supporting evidence is limited at this time, the clinical significance of this alteration remains unclear.

Literature cited by the submitters: PubMed 12855706 (cited by Labcorp Genetics (formerly Invitae), Labcorp).

NM_007194.4(CHEK2):c.1513T>G (p.Ser505Ala)

Gene: CHEK2 (checkpoint kinase 2; minus strand). Cytogenetic location: 22q12.1.
Variant type: single nucleotide variant.
Coding change: c.1513T>G on transcript NM_007194.4 (MANE Select); coding-DNA position 1513, T replaced by G.
Protein change: p.Ser505Ala; replaces serine 505 with alanine.
Molecular consequence: missense variant.
Genome position (GRCh38, 1-based): chr22:28,689,164, A>C on the plus strand (T>G on the coding strand, the complement: CHEK2 is on the minus strand). VCF-style: chr22-28689164-A-C. GRCh37 (hg19) VCF-style: chr22-29085152-A-C.
Other names: c.1642T>G, p.Ser548Ala (NM_001005735.3); c.850T>G, p.Ser284Ala (NM_001257387.3); c.1312T>G, p.Ser438Ala (NM_001349956.3); c.1426T>G, p.Ser476Ala (NM_145862.3); short protein forms S505A, S284A, S438A, S476A, S548A.
Identifiers: ClinVar variation 571176 (VCV000571176.11), dbSNP rs587781960, ClinGen allele CA411092374.